The following is an entry in ClinVar:

ClinVar aggregate classification (germline): Likely benign (0 of 4 stars; one submission).

Conditions:
AFG3L2-related disorder. Also called: AFG3L2-related condition.

Allele frequency attached by ClinVar (database versions not stated): gnomAD 0.00002; gnomAD exomes below 0.00001; TOPMed 0.00002.
gnomAD v4.1: 9 of 1,605,026 alleles (0.00056%); highest among the groups gnomAD compares: Non-Finnish European, 0.00068%; no homozygotes.

Submission:

PreventionGenetics, part of Exact Sciences
Classification: Likely benign for AFG3L2-related condition. Last evaluated: 2020-01-09. Review status: no assertion criteria provided. Collection method: clinical testing. Allele origin: germline.
Comment: This variant is classified as likely benign based on ACMG/AMP sequence variant interpretation guidelines (Richards et al. 2015 PMID: 25741868, with internal and published modifications).

NM_006796.3(AFG3L2):c.2176-7A>C

Genes: AFG3L2 (AFG3 like matrix AAA peptidase subunit 2; minus strand), TUBB6 (tubulin beta 6 class V; plus strand). Cytogenetic location: 18p11.21.
Variant type: single nucleotide variant.
Coding change: c.2176-7A>C on transcript NM_006796.3 (MANE Select); 7 bases into the intron before coding-DNA position 2176, A replaced by C.
Molecular consequence: intron variant. On other transcripts: 3 prime UTR variant (1).
Genome position (GRCh38, 1-based): chr18:12,329,790, T>G on the plus strand (A>C on the coding strand, the complement: AFG3L2 is on the minus strand). VCF-style: chr18-12329790-T-G. GRCh37 (hg19) VCF-style: chr18-12329789-T-G.
Other names: c.*607T>G (NM_001303525.2).
Identifiers: ClinVar variation 3052257 (VCV003052257.2), dbSNP rs914045907, ClinGen allele CA296683828.